The following is an entry in ClinVar:

NM_005876.5(SPEG):c.8714C>G (p.Ser2905Cys)

Genes: ASIC4-AS1 (ASIC4 antisense RNA 1; minus strand), SPEG (striated muscle enriched protein kinase; plus strand). Cytogenetic location: 2q35.
Variant type: single nucleotide variant.
Coding change: c.8714C>G on transcript NM_005876.5 (MANE Select); coding-DNA position 8714, C replaced by G.
Protein change: p.Ser2905Cys; replaces serine 2905 with cysteine.
Molecular consequence: missense variant.
Genome position (GRCh38, 1-based): chr2:219,489,732, C>G. VCF-style: chr2-219489732-C-G. GRCh37 (hg19) VCF-style: chr2-220354454-C-G.
Other names: short protein forms S2905C.
Identifiers: ClinVar variation 1363266 (VCV001363266.8), dbSNP rs1394564669, ClinGen allele CA350712114.

ClinVar aggregate classification (germline): Uncertain significance (1 of 4 stars; one submission).

Submission:

Labcorp Genetics (formerly Invitae), Labcorp
Classification: Uncertain significance. Last evaluated: 2021-06-23. Review status: criteria provided, single submitter. Criteria: Invitae Variant Classification Sherloc (09022015). Collection method: clinical testing. Allele origin: germline.
Comment: This sequence change replaces serine with cysteine at codon 2905 of the SPEG protein (p.Ser2905Cys). The serine residue is moderately conserved and there is a moderate physicochemical difference between serine and cysteine. This variant is not present in population databases (ExAC no frequency). This variant has not been reported in the literature in individuals with SPEG-related conditions. Algorithms developed to predict the effect of missense changes on protein structure and function are either unavailable or do not agree on the potential impact of this missense change (SIFT: "Tolerated"; PolyPhen-2: "Probably Damaging"; Align-GVGD: "Class C0"). In summary, the available evidence is currently insufficient to determine the role of this variant in disease. Therefore, it has been classified as a Variant of Uncertain Significance.